The following is an entry in ClinVar:

NM_005689.4(ABCB6):c.868+7A>T

Gene: ABCB6 (ATP binding cassette subfamily B member 6 (LAN blood group); minus strand). Cytogenetic location: 2q35.
Variant type: single nucleotide variant.
Coding change: c.868+7A>T on transcript NM_005689.4 (MANE Select); 7 bases into the intron after coding-DNA position 868, A replaced by T.
Molecular consequence: intron variant.
Genome position (GRCh38, 1-based): chr2:219,216,645, T>A on the plus strand (A>T on the coding strand, the complement: ABCB6 is on the minus strand). VCF-style: chr2-219216645-T-A. GRCh37 (hg19) VCF-style: chr2-220081367-T-A.
Other names: p.?; c.730+7A>T (NM_001349828.2).
Identifiers: ClinVar variation 4684644 (VCV004684644.1).

ClinVar aggregate classification (germline): Likely benign (1 of 4 stars; one submission).

gnomAD v4.1: 35 of 1,552,334 alleles (0.0023%); highest among the groups gnomAD compares: African/African-American, 0.033%; no homozygotes.

Submission:

Mayo Clinic Laboratories, Mayo Clinic
Classification: Likely benign. Last evaluated: 2025-11-29. Review status: criteria provided, single submitter. Criteria: ACMG Guidelines, 2015. Collection method: clinical testing. Allele origin: germline. Observed: 1 variant allele.
Comment: BP4, BP7, PM2_supporting